The following is an entry in ClinVar:

ClinVar aggregate classification (germline): Uncertain significance (1 of 4 stars; one submission).

Conditions:
Legius syndrome. Identifiers: Orphanet 137605, MedGen C1969623, MONDO:0012669, OMIM 611431. Disease mechanism: loss of function.

Submission:

Labcorp Genetics (formerly Invitae), Labcorp
Classification: Uncertain significance for Legius syndrome. Last evaluated: 2021-05-26. Review status: criteria provided, single submitter. Criteria: Invitae Variant Classification Sherloc (09022015). Collection method: clinical testing. Allele origin: germline.
Comment: This sequence change replaces aspartic acid with tyrosine at codon 154 of the SPRED1 protein (p.Asp154Tyr). The aspartic acid residue is highly conserved and there is a large physicochemical difference between aspartic acid and tyrosine. This variant is not present in population databases (ExAC no frequency). This variant has not been reported in the literature in individuals with SPRED1-related conditions. Algorithms developed to predict the effect of missense changes on protein structure and function are either unavailable or do not agree on the potential impact of this missense change (SIFT: "Deleterious"; PolyPhen-2: "Benign"; Align-GVGD: "Class C35"). In summary, the available evidence is currently insufficient to determine the role of this variant in disease. Therefore, it has been classified as a Variant of Uncertain Significance.

NM_152594.3(SPRED1):c.460G>T (p.Asp154Tyr)

Gene: SPRED1 (sprouty related EVH1 domain containing 1; plus strand). Cytogenetic location: 15q14.
Variant type: single nucleotide variant.
Coding change: c.460G>T on transcript NM_152594.3 (MANE Select); coding-DNA position 460, G replaced by T.
Protein change: p.Asp154Tyr; replaces aspartic acid 154 with tyrosine.
Molecular consequence: missense variant.
Genome position (GRCh38, 1-based): chr15:38,339,773, G>T. VCF-style: chr15-38339773-G-T. GRCh37 (hg19) VCF-style: chr15-38631974-G-T.
Other names: short protein forms D154Y.
Identifiers: ClinVar variation 1472908 (VCV001472908.8), dbSNP rs1414327113, ClinGen allele CA391932481.